The following is an entry in ClinVar:

NM_001267550.2(TTN):c.52924_52930dup (p.Val17644fs)

Genes: TTN (titin; minus strand), TTN-AS1 (TTN antisense RNA 1; plus strand), LOC126806425 (BRD4-independent group 4 enhancer GRCh37_chr2:179471933-179473132; plus strand). Cytogenetic location: 2q31.2.
Variant type: Duplication.
Coding change: c.52924_52930dup on transcript NM_001267550.2 (MANE Select); coding-DNA positions 52924 to 52930, 7 bases duplicated (CTTCGGG; older notation c.52924_52930dupCTTCGGG).
Protein change: p.Val17644fs; shifts the reading frame from valine 17644.
Molecular consequence: frameshift variant.
Genome position (GRCh38, 1-based): chr2:178,607,857-178,607,863, CCCGAAG duplicated on the plus strand (CTTCGGG on the coding strand, the reverse complement: TTN is on the minus strand). VCF-style (leftmost placement, unchanged base first): chr2-178607856-A-ACCCGAAG. GRCh37 (hg19) VCF-style: chr2-179472583-A-ACCCGAAG.
Other names: c.48001_48007dup, p.Val16003fs (NM_001256850.1); c.25729_25735dup, p.Val8579fs (NM_003319.4); c.45220_45226dup, p.Val15076fs (NM_133378.4); c.26104_26110dup, p.Val8704fs (NM_133432.3); c.26305_26311dup, p.Val8771fs (NM_133437.4); c.25729_25735dupCTTCGGG (NM_003319.4); c.52924_52930dup (NM_001267550.1); short protein forms V15076fs, V16003fs, V17644fs, V8579fs, V8704fs, V8771fs.
Identifiers: ClinVar variation 837628 (VCV000837628.14), dbSNP rs2055292474, ClinGen allele CA916081360.
Genomic context (GRCh38, chr2:178,607,856, plus strand): 5'-GCCACAGTAACAGGTTGTGTTTCTCCAGGCGGTCCTTCCCCTGCGGCATTGACAGCACTC[A>ACCCGAAG]CCCGAAGTTTGTAATCAGCACCCTCTCGGATTTCTTTGACGGTGTACTGACGGACCTTGA-3'

ClinVar aggregate classification (germline): Pathogenic/Likely pathogenic. Review status: criteria provided, multiple submitters, no conflicts (2 of 4 stars). 3 submissions from 3 submitters: Pathogenic (1); Likely pathogenic (2). Last evaluated 2025-12-17.

Conditions:
Dilated cardiomyopathy 1G (CMD1G). Identifiers: Orphanet 154, MedGen C1858763, MONDO:0011400, OMIM 604145.
Autosomal recessive limb-girdle muscular dystrophy type 2J (LGMDR10). Also called: Limb-girdle muscular dystrophy, type 2J; MUSCULAR DYSTROPHY, LIMB-GIRDLE, AUTOSOMAL RECESSIVE 10. Identifiers: Orphanet 140922, MedGen C1837342, MONDO:0012127, OMIM 608807.
Cardiovascular phenotype. Identifiers: MedGen CN230736.

Submissions (3):

GeneDx
Classification: Likely pathogenic. Last evaluated: 2025-12-17. Review status: criteria provided, single submitter. Criteria: GeneDx Variant Classification Process June 2021. Collection method: clinical testing. Allele origin: germline.
Comment: Frameshift variant predicted to result in protein truncation or nonsense mediated decay in a gene for which loss of function is a known mechanism of disease; Not observed at significant frequency in large population cohorts (gnomAD); Has not been previously published as pathogenic or benign to our knowledge; Located in the A-band, a region of TTN for which truncating variants are significantly associated with autosomal dominant cardiomyopathy and also with autosomal recessive skeletal myopathies (PMID: 22335739, 32778822); This variant is associated with the following publications: (PMID: 22335739, 32778822)

Labcorp Genetics (formerly Invitae), Labcorp
Classification: Likely pathogenic for Dilated cardiomyopathy 1G; Autosomal recessive limb-girdle muscular dystrophy type 2J. Last evaluated: 2023-12-31. Review status: criteria provided, single submitter. Criteria: Invitae Variant Classification Sherloc (09022015). Collection method: clinical testing. Allele origin: germline.
Comment: This sequence change creates a premature translational stop signal (p.Val17644Alafs*24) in the TTN gene. While this is not anticipated to result in nonsense mediated decay, it is expected to create a truncated TTN protein. This variant is not present in population databases (gnomAD no frequency). This premature translational stop signal has been observed in individual(s) with dilated cardiomyopathy (Invitae). ClinVar contains an entry for this variant (Variation ID: 837628). Algorithms developed to predict the effect of sequence changes on RNA splicing suggest that this variant may create or strengthen a splice site. This variant is located in the A band of TTN (PMID: 25589632). Truncating variants in this region are significantly overrepresented in patients affected with dilated cardiomyopathy (PMID: 25589632). Truncating variants in this region have also been reported in individuals affected with autosomal recessive centronuclear myopathy (PMID: 23975875). In summary, the currently available evidence indicates that the variant is pathogenic, but additional data are needed to prove that conclusively. Therefore, this variant has been classified as Likely Pathogenic.

Ambry Genetics
Classification: Pathogenic for Cardiovascular phenotype. Last evaluated: 2022-01-24. Review status: criteria provided, single submitter. Criteria: Ambry Variant Classification Scheme 2023. Collection method: clinical testing. Allele origin: germline.
Comment: The c.25729_25735dupCTTCGGG pathogenic mutation, located in coding exon 103 of the TTN gene, results from a duplication of CTTCGGG at nucleotide position 25729, causing a translational frameshift with a predicted alternate stop codon (p.V8579Afs*24). This exon is located in the A-band region of the N2-B isoform of the titin protein and is constitutively expressed in TTN transcripts (percent spliced in or PSI 100%). This variant has been detected in individuals reported to have dilated cardiomyopathy (Ambry internal data). This variant is considered to be rare based on population cohorts in the Genome Aggregation Database (gnomAD). This alteration is expected to result in loss of function by premature protein truncation or nonsense-mediated mRNA decay. While truncating variants in TTN are present in 1-3% of the general population, truncating variants in the A-band are the most common cause of dilated cardiomyopathy (DCM) (Herman DS et al. N. Engl. J. Med., 2012 Feb;366:619-28; Roberts AM et al. Sci Transl Med, 2015 Jan;7:270ra6). TTN truncating variants encoded in constitutive exons (PSI >90%) have been found to be significantly associated with DCM regardless of their position in titin (Schafer S et al. Nat. Genet., 2017 01;49:46-53). Based on the supporting evidence, this alteration is interpreted as a disease-causing mutation.

Literature cited by the submitters: PubMed 25589632 (cited by Labcorp Genetics (formerly Invitae), Labcorp); PubMed 23975875 (cited by Labcorp Genetics (formerly Invitae), Labcorp).